The following is an entry in ClinVar:

NM_198076.6(COX20):c.91C>T (p.Arg31Trp)

Gene: COX20 (cytochrome c oxidase assembly factor COX20; plus strand). Cytogenetic location: 1q44.
Variant type: single nucleotide variant.
Coding change: c.91C>T on transcript NM_198076.6 (MANE Select); coding-DNA position 91, C replaced by T.
Protein change: p.Arg31Trp; replaces arginine 31 with tryptophan.
Molecular consequence: missense variant. On other transcripts: non-coding transcript variant (1), intron variant (1).
Genome position (GRCh38, 1-based): chr1:244,841,992, C>T. VCF-style: chr1-244841992-C-T. GRCh37 (hg19) VCF-style: chr1-245005294-C-T.
Other names: p.R31W:CGG>TGG; c.91C>T, p.Arg31Trp (NM_001312871.1, NM_001312874.1); c.127C>T, p.Arg43Trp (NM_001312872.1); c.23-203C>T (NM_001312873.1); short protein forms R31W, R43W.
Identifiers: ClinVar variation 214270 (VCV000214270.8), dbSNP rs373824502, ClinGen allele CA323201.

ClinVar aggregate classification (germline): Uncertain significance. Review status: criteria provided, multiple submitters, no conflicts (2 of 4 stars). 4 submissions from 4 submitters: Uncertain significance (4). Last evaluated 2024-07-30.

Conditions:
Mitochondrial complex IV deficiency, nuclear type 11. Also called: Mitochondrial complex 4 deficiency, nuclear type 11. Identifiers: MedGen C5436694, MONDO:0033645, OMIM 619054.
Mitochondrial disease. Also called: Mitochondrial disorder; Mitochondrial disorders. Identifiers: Orphanet 68380, MedGen C0751651, MeSH D028361, MONDO:0044970.

Allele frequency attached by ClinVar (database versions not stated): gnomAD 0.00002; TOPMed 0.00002; ESP Exome Variant Server 0.00008.
gnomAD v4.1: 61 of 1,611,642 alleles (0.0038%); highest among the groups gnomAD compares: Admixed American, 0.013%; no homozygotes.

Submissions (4):

3billion
Classification: Uncertain significance for Mitochondrial complex IV deficiency, nuclear type 11. Last evaluated: 2024-07-30. Review status: criteria provided, single submitter. Criteria: ACMG Guidelines, 2015. Collection method: clinical testing. Allele origin: germline. Affected: yes.
Comment: The variant is observed at an extremely low frequency in the gnomAD v4.0.0 dataset (total allele frequency: 0.004%). In silico tool predictions suggest damaging effect of the variant on gene or gene product [REVEL: 0.71 (>=0.6); 3Cnet: 0.91 (>=0.6)]. Therefore, this variant is classified as uncertain significance according to the recommendation of ACMG/AMP guideline.

Fulgent Genetics
Classification: Uncertain significance for Mitochondrial complex IV deficiency, nuclear type 11. Last evaluated: 2024-04-08. Review status: criteria provided, single submitter. Criteria: ACMG Guidelines, 2015. Collection method: clinical testing. Allele origin: germline.

Illumina Laboratory Services, Illumina
Classification: Uncertain significance for Mitochondrial disease. Last evaluated: 2023-04-27. Review status: criteria provided, single submitter. Criteria: ICSLVariantClassificationCriteria RUGD 01 April 2020. Collection method: clinical testing. Allele origin: unknown.
Comment: The COX20 c.91C>T (p.Arg31Trp) missense variant, also referred to as c.127C>T (p.Arg43Trp), has not, to our knowledge, been reported in the peer-reviewed literature. The p.Arg31Trp variant has been reported as a likely pathogenic variant by one submitter in ClinVar, indicating this variant was found in a compound heterozygous state in an individual with a phenotype consistent with mitochondrial complex IV deficiency (ClinVar accession: VCV000214270.5). This variant is not observed at a significant frequency in version 2.1.1 or version 3.1.2 of the Genome Aggregation Database. Multiple lines of computational evidence suggest the variant may impact the gene or gene product. Based on the available evidence, the c.91C>T (p.Arg31Trp) variant is classified as a variant of uncertain significance for primary mitochondrial disease.

GeneDx
Classification: Uncertain significance. Last evaluated: 2022-07-19. Review status: criteria provided, single submitter. Criteria: GeneDx Variant Classification Process June 2021. Collection method: clinical testing. Allele origin: germline. Affected: yes.
Comment: In silico analysis supports that this missense variant has a deleterious effect on protein structure/function; Has not been previously published as pathogenic or benign to our knowledge